The following is an entry in ClinVar:

ClinVar aggregate classification (germline): Uncertain significance. Review status: criteria provided, multiple submitters, no conflicts (2 of 4 stars). 4 submissions from 4 submitters: Uncertain significance (4). Last evaluated 2026-09-21.

Conditions:
ABCC8-related disorder.

Allele frequency attached by ClinVar (database versions not stated): ExAC 0.00001; gnomAD 0.00001; gnomAD exomes 0.00001; TOPMed 0.00001.
gnomAD v4.1: 15 of 1,613,906 alleles (0.00093%); highest among the groups gnomAD compares: South Asian, 0.0055%; no homozygotes.

Submissions (4):

PreventionGenetics, part of Exact Sciences
Classification: Uncertain significance for ABCC8-related condition. Last evaluated: 2026-09-21. Review status: criteria provided, single submitter. Criteria: ACMG Guidelines, 2015. Collection method: clinical testing. Allele origin: germline.
Comment: The ABCC8 c.1949G>A variant is predicted to result in the amino acid substitution p.Arg650His. To our knowledge, this variant has not been reported in the literature. This variant is reported in 0.0062% of alleles in individuals of African descent in gnomAD. At this time, the clinical significance of this variant is uncertain due to the absence of conclusive functional and genetic evidence.

Women's Health and Genetics/Laboratory Corporation of America, LabCorp
Classification: Uncertain significance. Last evaluated: 2025-11-10. Review status: criteria provided, single submitter. Criteria: LabCorp Variant Classification Summary - May 2015. Collection method: clinical testing. Allele origin: germline.
Comment: Variant summary: ABCC8 c.1949G>A (p.Arg650His) results in a non-conservative amino acid change in the encoded protein sequence. Algorithms developed to predict the effect of missense changes on protein structure and function are either unavailable or do not agree on the potential impact of this missense change. The variant allele was found at a frequency of 1.2e-05 in 250934 control chromosomes. The available data on variant occurrences in the general population are insufficient to allow any conclusion about variant significance. To our knowledge, no occurrence of c.1949G>A in individuals affected with ABCC8-related conditions and no experimental evidence demonstrating its impact on protein function have been reported. ClinVar contains an entry for this variant (Variation ID: 3239524). Based on the evidence outlined above, the variant was classified as uncertain significance.

ARUP Laboratories, Molecular Genetics and Genomics, ARUP Laboratories
Classification: Uncertain significance. Last evaluated: 2025-05-15. Review status: criteria provided, single submitter. Criteria: ARUP Molecular Germline Variant Investigation Process 2024. Collection method: clinical testing. Allele origin: germline.
Comment: The ABCC8 c.1949G>A; p.Arg650His variant (rs775415714), to our knowledge, is not reported in the medical literature but is reported in ClinVar (Variation ID: 3239524). This variant is only observed on three alleles in the Genome Aggregation Database (v2.1.1), indicating it is not a common polymorphism. Computational analyses are uncertain whether this variant is neutral or deleterious (REVEL: 0.188). Due to limited information, the clinical significance of this variant is uncertain at this time.

CeGaT Center for Human Genetics Tuebingen
Classification: Uncertain significance. Last evaluated: 2024-05-01. Review status: criteria provided, single submitter. Criteria: CeGaT Center For Human Genetics Tuebingen Variant Classification Criteria Version 2. Collection method: clinical testing. Allele origin: germline. Affected: yes. Observed: 1 variant allele.
Comment: ABCC8: PM2:Supporting

NM_000352.6(ABCC8):c.1949G>A (p.Arg650His)

Gene: ABCC8 (ATP binding cassette subfamily C member 8; minus strand). Cytogenetic location: 11p15.1.
Variant type: single nucleotide variant.
Coding change: c.1949G>A on transcript NM_000352.6 (MANE Select); coding-DNA position 1949, G replaced by A.
Protein change: p.Arg650His; replaces arginine 650 with histidine.
Molecular consequence: missense variant. On other transcripts: non-coding transcript variant (1).
Genome position (GRCh38, 1-based): chr11:17,428,380, C>T on the plus strand (G>A on the coding strand, the complement: ABCC8 is on the minus strand). VCF-style: chr11-17428380-C-T. GRCh37 (hg19) VCF-style: chr11-17449927-C-T.
Other names: c.1949G>A (NM_000352.4); c.1949G>A, p.Arg650His (NM_001287174.3); c.2015G>A, p.Arg672His (NM_001351295.2); c.1946G>A, p.Arg649His (NM_001351296.2, NM_001351297.2); short protein forms R649H, R650H, R672H.
Identifiers: ClinVar variation 3239524 (VCV003239524.21), dbSNP rs775415714.
Genomic context (GRCh38, chr11:17,428,380, plus strand): 5'-GCACTGGGGACCAGGCTCTGCAGTGGGCCGGTGAGGCCCCGACAATCCTCCCGGGCTGGA[C>T]GCTTGCGGTTCACAACCCTGAGGGGCTGGGGGTGGTTTGGAGGTGAGGACCCACTGGGCT-3'
Protein context (NP_000343.2, residues 640-660): AVPLRVVNRK[Arg650His]PAREDCRGLT